The following is an entry in ClinVar:

NM_001128840.3(CACNA1D):c.685G>T (p.Gly229Cys)

Gene: CACNA1D (calcium voltage-gated channel subunit alpha1 D; plus strand). Cytogenetic location: 3p21.1.
Variant type: single nucleotide variant.
Coding change: c.685G>T on transcript NM_001128840.3 (MANE Select); coding-DNA position 685, G replaced by T.
Protein change: p.Gly229Cys; replaces glycine 229 with cysteine.
Molecular consequence: missense variant.
Genome position (GRCh38, 1-based): chr3:53,660,194, G>T. VCF-style: chr3-53660194-G-T. GRCh37 (hg19) VCF-style: chr3-53694221-G-T.
Other names: c.685G>T, p.Gly229Cys (NM_000720.4, NM_001128839.3); short protein forms G229C.
Identifiers: ClinVar variation 2855122 (VCV002855122.3), dbSNP rs747770734, ClinGen allele CA353382497.

ClinVar aggregate classification (germline): Uncertain significance (1 of 4 stars; one submission).

Submission:

Labcorp Genetics (formerly Invitae), Labcorp
Classification: Uncertain significance. Last evaluated: 2023-04-11. Review status: criteria provided, single submitter. Criteria: Invitae Variant Classification Sherloc (09022015). Collection method: clinical testing. Allele origin: germline.
Comment: This variant is not present in population databases (gnomAD no frequency). In summary, the available evidence is currently insufficient to determine the role of this variant in disease. Therefore, it has been classified as a Variant of Uncertain Significance. An algorithm developed to predict the effect of missense changes on protein structure and function (PolyPhen-2) suggests that this variant is likely to be disruptive. This variant has not been reported in the literature in individuals affected with CACNA1D-related conditions. This sequence change replaces glycine, which is neutral and non-polar, with cysteine, which is neutral and slightly polar, at codon 229 of the CACNA1D protein (p.Gly229Cys).